The following is an entry in ClinVar:

ClinVar aggregate classification (germline): Uncertain significance (1 of 4 stars; one submission).

Conditions:
Inborn genetic diseases. Identifiers: MedGen C0950123, MeSH D030342.

Submission:

Ambry Genetics
Classification: Uncertain significance for Inborn genetic diseases. Last evaluated: 2025-10-17. Review status: criteria provided, single submitter. Criteria: Ambry Variant Classification Scheme 2023. Collection method: clinical testing. Allele origin: germline.
Comment: The p.V435I variant (also known as c.1303G>A), located in coding exon 12 of the ASXL1 gene, results from a G to A substitution at nucleotide position 1303. The valine at codon 435 is replaced by isoleucine, an amino acid with highly similar properties. This amino acid position is conserved. In addition, this alteration is predicted to be tolerated by in silico analysis. Based on the available evidence, the clinical significance of this variant remains unclear.

NM_015338.6(ASXL1):c.1303G>A (p.Val435Ile)

Gene: ASXL1 (ASXL transcriptional regulator 1; plus strand). Cytogenetic location: 20q11.21.
Variant type: single nucleotide variant.
Coding change: c.1303G>A on transcript NM_015338.6 (MANE Select); coding-DNA position 1303, G replaced by A.
Protein change: p.Val435Ile; replaces valine 435 with isoleucine.
Molecular consequence: missense variant.
Genome position (GRCh38, 1-based): chr20:32,433,501, G>A. VCF-style: chr20-32433501-G-A. GRCh37 (hg19) VCF-style: chr20-31021304-G-A.
Other names: c.1120G>A, p.Val374Ile (NM_001363734.1); short protein forms V435I, V374I.
Identifiers: ClinVar variation 4587970 (VCV004587970.1).